The following is an entry in ClinVar:

ClinVar aggregate classification (germline): Uncertain significance. Review status: criteria provided, multiple submitters, no conflicts (2 of 4 stars). 2 submissions from 2 submitters: Uncertain significance (2). Last evaluated 2025-06-01.

Conditions:
Familial meningioma. Also called: Meningioma, familial, susceptibility to. Identifiers: Orphanet 263662, MedGen C3551915, MONDO:0011789, OMIM 607174.

Allele frequency attached by ClinVar (database versions not stated): gnomAD exomes below 0.00001.
gnomAD v4.1: 1 of 1,587,822 alleles (0.000063%); highest among the groups gnomAD compares: Non-Finnish European, 0.000086%; no homozygotes.

Submissions (2):

Labcorp Genetics (formerly Invitae), Labcorp
Classification: Uncertain significance for Familial meningioma. Last evaluated: 2025-06-01. Review status: criteria provided, single submitter. Criteria: Invitae Variant Classification Sherloc (09022015). Collection method: clinical testing. Allele origin: germline.
Comment: This sequence change replaces valine, which is neutral and non-polar, with phenylalanine, which is neutral and non-polar, at codon 51 of the SMARCE1 protein (p.Val51Phe). This variant is not present in population databases (gnomAD no frequency). This variant has not been reported in the literature in individuals affected with SMARCE1-related conditions. ClinVar contains an entry for this variant (Variation ID: 2679026). An algorithm developed to predict the effect of missense changes on protein structure and function (PolyPhen-2) suggests that this variant is likely to be tolerated. In summary, the available evidence is currently insufficient to determine the role of this variant in disease. Therefore, it has been classified as a Variant of Uncertain Significance.

Baylor Genetics
Classification: Uncertain significance for Familial meningioma. Last evaluated: 2023-07-28. Review status: criteria provided, single submitter. Criteria: ACMG Guidelines, 2015. Collection method: clinical testing. Allele origin: unknown.

NM_003079.5(SMARCE1):c.151G>T (p.Val51Phe)

Gene: SMARCE1 (SWI/SNF related BAF chromatin remodeling complex subunit E1; minus strand). Cytogenetic location: 17q21.2.
Variant type: single nucleotide variant.
Coding change: c.151G>T on transcript NM_003079.5 (MANE Select); coding-DNA position 151, G replaced by T.
Protein change: p.Val51Phe; replaces valine 51 with phenylalanine.
Molecular consequence: missense variant.
Genome position (GRCh38, 1-based): chr17:40,642,460, C>A on the plus strand (G>T on the coding strand, the complement: SMARCE1 is on the minus strand). VCF-style: chr17-40642460-C-A. GRCh37 (hg19) VCF-style: chr17-38798712-C-A.
Other names: short protein forms V51F.
Identifiers: ClinVar variation 2679026 (VCV002679026.2), dbSNP rs1555606273, ClinGen allele CA399369535.